The following is an entry in ClinVar:

ClinVar aggregate classification (germline): Pathogenic (1 of 4 stars; one submission).

Submission:

Labcorp Genetics (formerly Invitae), Labcorp
Classification: Pathogenic. Last evaluated: 2021-08-25. Review status: criteria provided, single submitter. Criteria: Invitae Variant Classification Sherloc (09022015). Collection method: clinical testing. Allele origin: germline.
Comment: This variant is not present in population databases (ExAC no frequency). This sequence change creates a premature translational stop signal (p.Asn181Serfs*52) in the HOXD13 gene. It is expected to result in an absent or disrupted protein product. Loss-of-function variants in HOXD13 are known to be pathogenic (PMID: 18399101, 21782042, 21814222, 27254532). This variant has not been reported in the literature in individuals affected with HOXD13-related conditions. For these reasons, this variant has been classified as Pathogenic.

Literature cited by the submitters: PubMed 18399101; PubMed 21782042; PubMed 21814222; PubMed 27254532.

NM_000523.4(HOXD13):c.542_552del (p.Asn181fs)

Gene: HOXD13 (homeobox D13; plus strand). Cytogenetic location: 2q31.1.
Variant type: Deletion.
Coding change: c.542_552del on transcript NM_000523.4 (MANE Select); coding-DNA positions 542 to 552, 11 bases deleted (ACGAGGTGCCA).
Protein change: p.Asn181fs; shifts the reading frame from asparagine 181.
Molecular consequence: frameshift variant.
Genome position (GRCh38, 1-based): chr2:176,093,432-176,093,442, ACGAGGTGCCA deleted; deleting any 11 consecutive bases within chr2:176,093,428-176,093,442 gives the same sequence; the c. name uses the placement nearest the transcript's 3' end. VCF-style (leftmost placement, unchanged base first): chr2-176093427-GGCCAACGAGGT-G. GRCh37 (hg19) VCF-style: chr2-176958155-GGCCAACGAGGT-G.
Other names: short protein forms N181fs.
Identifiers: ClinVar variation 1452333 (VCV001452333.6), dbSNP rs2105378889, ClinGen allele CA2573134022.